The following is an entry in ClinVar:

NM_021098.3(CACNA1H):c.4246C>T (p.Leu1416Phe)

Gene: CACNA1H (calcium voltage-gated channel subunit alpha1 H; plus strand). Cytogenetic location: 16p13.3.
Variant type: single nucleotide variant.
Coding change: c.4246C>T on transcript NM_021098.3 (MANE Select); coding-DNA position 4246, C replaced by T.
Protein change: p.Leu1416Phe; replaces leucine 1416 with phenylalanine.
Molecular consequence: missense variant.
Genome position (GRCh38, 1-based): chr16:1,211,190, C>T. VCF-style: chr16-1211190-C-T. GRCh37 (hg19) VCF-style: chr16-1261190-C-T.
Other names: c.4246C>T, p.Leu1416Phe (NM_001005407.2); short protein forms L1416F.
Identifiers: ClinVar variation 2929703 (VCV002929703.3), dbSNP rs751933660, ClinGen allele CA7801236.

ClinVar aggregate classification (germline): Uncertain significance (1 of 4 stars; one submission).

Conditions:
Idiopathic generalized epilepsy. Also called: Generalised epilepsy; EIG. Identifiers: MedGen C0270850, MONDO:0005579, OMIM 600669.
Hyperaldosteronism, familial, type IV (HALD4). Also called: FH IV; ALDOSTERONISM, PRIMARY, AND HYPERTENSION. Identifiers: Orphanet 642671, MedGen C4310756, MONDO:0014875, OMIM 617027.

Allele frequency attached by ClinVar (database versions not stated): gnomAD exomes below 0.00001; ExAC 0.00001; TOPMed 0.00002.
gnomAD v4.1: 1 of 1,612,982 alleles (0.000062%); highest among the groups gnomAD compares: Non-Finnish European, 0.000085%; no homozygotes.

Submission:

Labcorp Genetics (formerly Invitae), Labcorp
Classification: Uncertain significance for Idiopathic generalized epilepsy; Hyperaldosteronism, familial, type IV. Last evaluated: 2022-10-27. Review status: criteria provided, single submitter. Criteria: Invitae Variant Classification Sherloc (09022015). Collection method: clinical testing. Allele origin: germline.
Comment: In summary, the available evidence is currently insufficient to determine the role of this variant in disease. Therefore, it has been classified as a Variant of Uncertain Significance. Advanced modeling of protein sequence and biophysical properties (such as structural, functional, and spatial information, amino acid conservation, physicochemical variation, residue mobility, and thermodynamic stability) performed at Invitae indicates that this missense variant is expected to disrupt CACNA1H protein function. This variant has not been reported in the literature in individuals affected with CACNA1H-related conditions. This variant is present in population databases (rs751933660, gnomAD 0.003%). This sequence change replaces leucine, which is neutral and non-polar, with phenylalanine, which is neutral and non-polar, at codon 1416 of the CACNA1H protein (p.Leu1416Phe).